The following is an entry in ClinVar:

ClinVar aggregate classification (germline): Likely pathogenic (0 of 4 stars; one submission).

Conditions:
HNF1A-related disorder. Also called: HNF1A-related condition.

Submission:

PreventionGenetics, part of Exact Sciences
Classification: Likely pathogenic for HNF1A-related condition. Last evaluated: 2023-12-04. Review status: no assertion criteria provided. Collection method: clinical testing. Allele origin: germline.
Comment: The HNF1A c.1768+2T>G variant is predicted to disrupt the GT donor site and interfere with normal splicing. To our knowledge, this variant has not been reported in the literature or in a large population database, indicating this variant is rare. Variants that disrupt the consensus splice donor site in HNF1A are expected to be pathogenic. This variant is interpreted as likely pathogenic.

NM_000545.8(HNF1A):c.1768+2T>G

Gene: HNF1A (HNF1 homeobox A; plus strand). Cytogenetic location: 12q24.31.
Variant type: single nucleotide variant.
Coding change: c.1768+2T>G on transcript NM_000545.8 (MANE Select); the canonical splice donor site of the intron after coding-DNA position 1768, T replaced by G.
Molecular consequence: splice donor variant.
Genome position (GRCh38, 1-based): chr12:120,999,629, T>G. VCF-style: chr12-120999629-T-G. GRCh37 (hg19) VCF-style: chr12-121437432-T-G.
Other names: c.1789+2T>G (NM_001306179.2); c.1576+2T>G (NM_001406915.1).
Identifiers: ClinVar variation 3033231 (VCV003033231.2), dbSNP rs2135851715, ClinGen allele CA386973456.